The following is an entry in ClinVar:

ClinVar aggregate classification (germline): Uncertain significance (1 of 4 stars; one submission).

Conditions:
Hereditary cancer-predisposing syndrome. Also called: Neoplastic Syndromes, Hereditary; Tumor predisposition; Hereditary Cancer Syndrome; Hereditary neoplastic syndrome. Identifiers: Orphanet 140162, MedGen C0027672, MeSH D009386, MONDO:0015356.

Submission:

Ambry Genetics
Classification: Uncertain significance for Hereditary cancer-predisposing syndrome. Last evaluated: 2020-07-22. Review status: criteria provided, single submitter. Criteria: Ambry Variant Classification Scheme 2023. Collection method: clinical testing. Allele origin: germline.
Comment: The p.P592R variant (also known as c.1775C>G), located in coding exon 14 of the POT1 gene, results from a C to G substitution at nucleotide position 1775. The proline at codon 592 is replaced by arginine, an amino acid with dissimilar properties. This amino acid position is highly conserved in available vertebrate species. In addition, this alteration is predicted to be deleterious by in silico analysis. Since supporting evidence is limited at this time, the clinical significance of this alteration remains unclear.

NM_015450.3(POT1):c.1775C>G (p.Pro592Arg)

Gene: POT1 (protection of telomeres 1; minus strand). Cytogenetic location: 7q31.33.
Variant type: single nucleotide variant.
Coding change: c.1775C>G on transcript NM_015450.3 (MANE Select); coding-DNA position 1775, C replaced by G.
Protein change: p.Pro592Arg; replaces proline 592 with arginine.
Molecular consequence: missense variant. On other transcripts: non-coding transcript variant (3).
Genome position (GRCh38, 1-based): chr7:124,825,269, G>C on the plus strand (C>G on the coding strand, the complement: POT1 is on the minus strand). VCF-style: chr7-124825269-G-C. GRCh37 (hg19) VCF-style: chr7-124465323-G-C.
Other names: c.1382C>G, p.Pro461Arg (NM_001042594.2); short protein forms P461R, P592R.
Identifiers: ClinVar variation 1779861 (VCV001779861.2), dbSNP rs1436064065, ClinGen allele CA369062140.